The following is an entry in ClinVar:

NM_000321.3(RB1):c.608-4del

Gene: RB1 (RB transcriptional corepressor 1; plus strand). Cytogenetic location: 13q14.2.
Variant type: Deletion.
Coding change: c.608-4del on transcript NM_000321.3 (MANE Select); 4 bases into the intron before coding-DNA position 608, one base deleted (T; older notation c.608-4delT).
Molecular consequence: intron variant.
Genome position (GRCh38, 1-based): chr13:48,360,013, T deleted; the last of 9 consecutive T bases (chr13:48,360,005-48,360,013); deleting any one gives the same sequence. VCF-style (leftmost placement, unchanged base first): chr13-48360004-AT-A. GRCh37 (hg19) VCF-style: chr13-48934140-AT-A.
Other names: c.608-4delT (NM_000321.2).
Identifiers: ClinVar variation 312284 (VCV000312284.58), dbSNP rs762805947, ClinGen allele CA6978886.

ClinVar aggregate classification (germline): Benign/Likely benign. Review status: criteria provided, multiple submitters, no conflicts (2 of 4 stars). 11 submissions from 11 submitters: Benign (4); Likely benign (6). 1 of the submissions does not count toward it. Last evaluated 2026-02-04.

Conditions:
Retinoblastoma (RB1). Also called: RETINOBLASTOMA, SOMATIC. Identifiers: Orphanet 790, MedGen C0035335, MeSH D012175, MONDO:0008380, OMIM 180200, HP:0009919. Disease mechanism: loss of function. Inheritance: Both sporadic and heritable forms are tested..
RB1-related disorder. Also called: RB1-related condition.
Hereditary cancer-predisposing syndrome. Also called: Tumor predisposition; Neoplastic Syndromes, Hereditary; Hereditary neoplastic syndrome; Hereditary Cancer Syndrome. Identifiers: Orphanet 140162, MedGen C0027672, MeSH D009386, MONDO:0015356.

Submissions (19):

Labcorp Genetics (formerly Invitae), Labcorp
Classification: Benign for Retinoblastoma. Last evaluated: 2026-02-04. Review status: criteria provided, single submitter. Criteria: Invitae Variant Classification Sherloc (09022015). Collection method: clinical testing. Allele origin: germline.

Myriad Genetics, Inc.
Classification: Likely benign for Retinoblastoma. Last evaluated: 2026-01-16. Review status: criteria provided, single submitter. Criteria: Myriad Autosomal Dominant, Autosomal Recessive and X-Linked Classification Criteria (2023). Collection method: clinical testing. Allele origin: unknown.
Comment: This variant is considered likely benign. This variant is intronic and is not expected to impact mRNA splicing. This variant has been observed at a population frequency that is significantly greater than expected given the associated disease prevalence and penetrance.

Blueprint Genetics
Classification: Likely benign. Last evaluated: 2024-11-22. Review status: criteria provided, single submitter. Criteria: ACMG Guidelines, 2015. Collection method: clinical testing. Allele origin: germline.

CeGaT Center for Human Genetics Tuebingen
Classification: Likely benign. Last evaluated: 2024-07-01. Review status: criteria provided, single submitter. Criteria: CeGaT Center For Human Genetics Tuebingen Variant Classification Criteria Version 2. Collection method: clinical testing. Allele origin: germline. Affected: yes. Observed: 3 variant alleles.
Comment: RB1: BP4, BS2

All of Us Research Program, National Institutes of Health
Classification: Benign for Retinoblastoma. Last evaluated: 2024-02-05. Review status: criteria provided, single submitter. Criteria: ACMG Guidelines, 2015. Collection method: clinical testing. Allele origin: germline. Inheritance: Autosomal dominant inheritance. Observed: 79 variant alleles, 79 heterozygotes.
Comment: This study involves interpretation of variants in research participants for the purpose of population health screening. Participant phenotype was not available at the time of variant classification. Additional details can be found in publication PMID: 35346344, PMCID: PMC8962531

Women's Health and Genetics/Laboratory Corporation of America, LabCorp
Classification: Benign. Last evaluated: 2022-11-03. Review status: criteria provided, single submitter. Criteria: LabCorp Variant Classification Summary - May 2015. Collection method: clinical testing. Allele origin: germline.

Color Diagnostics, LLC DBA Color Health
Classification: Benign for Retinoblastoma. Last evaluated: 2022-04-26. Review status: criteria provided, single submitter. Criteria: ACMG Guidelines, 2015. Collection method: clinical testing. Allele origin: germline.

Sema4
Classification: Likely benign for Hereditary cancer-predisposing syndrome. Last evaluated: 2021-01-10. Review status: criteria provided, single submitter. Criteria: Sema4 Curation Guidelines. Collection method: curation. Allele origin: germline.

Ambry Genetics
Classification: Likely benign for Hereditary cancer-predisposing syndrome. Last evaluated: 2020-07-06. Review status: criteria provided, single submitter. Criteria: Ambry Variant Classification Scheme 2023. Collection method: clinical testing. Allele origin: germline.

GeneDx
Classification: Likely benign. Last evaluated: 2018-03-29. Review status: criteria provided, single submitter. Criteria: GeneDx Variant Classification (06012015). Collection method: clinical testing. Allele origin: germline. Affected: yes.
Comment: This variant is considered likely benign or benign based on one or more of the following criteria: it is a conservative change, it occurs at a poorly conserved position in the protein, it is predicted to be benign by multiple in silico algorithms, and/or has population frequency not consistent with disease.

PreventionGenetics, part of Exact Sciences
Classification: Likely benign for RB1-related condition. Last evaluated: 2021-12-24. Review status: no assertion criteria provided. Collection method: clinical testing. Allele origin: germline. Not counted in ClinVar's aggregate classification.
Comment: This variant is classified as likely benign based on ACMG/AMP sequence variant interpretation guidelines (Richards et al. 2015 PMID: 25741868, with internal and published modifications).

Dr. Peter K. Rogan Lab, Western University
No classification provided (evidence only). Condition: Familial cancer of breast. Review status: no classification provided. Collection method: in vitro. Allele origin: not applicable. Functional consequence: retained intron. Not counted in ClinVar's aggregate classification.

Dr. Peter K. Rogan Lab, Western University
No classification provided (evidence only). Condition: Familial cancer of breast. Review status: no classification provided. Collection method: in vitro. Allele origin: not applicable. Functional consequence: retained intron. Not counted in ClinVar's aggregate classification.

Dr. Peter K. Rogan Lab, Western University
No classification provided (evidence only). Condition: Colorectal cancer. Review status: no classification provided. Collection method: in vitro. Allele origin: not applicable. Functional consequence: retained intron. Not counted in ClinVar's aggregate classification.

Dr. Peter K. Rogan Lab, Western University
No classification provided (evidence only). Condition: Colorectal cancer. Review status: no classification provided. Collection method: in vitro. Allele origin: not applicable. Functional consequence: retained intron. Not counted in ClinVar's aggregate classification.

Dr. Peter K. Rogan Lab, Western University
No classification provided (evidence only). Condition: Colorectal cancer. Review status: no classification provided. Collection method: in vitro. Allele origin: not applicable. Functional consequence: retained intron. Not counted in ClinVar's aggregate classification.

Dr. Peter K. Rogan Lab, Western University
No classification provided (evidence only). Condition: Colorectal cancer. Review status: no classification provided. Collection method: in vitro. Allele origin: not applicable. Functional consequence: retained intron. Not counted in ClinVar's aggregate classification.

Dr. Peter K. Rogan Lab, Western University
No classification provided (evidence only). Condition: Gastric cancer. Review status: no classification provided. Collection method: in vitro. Allele origin: not applicable. Functional consequence: retained intron. Not counted in ClinVar's aggregate classification.

Dr. Peter K. Rogan Lab, Western University
No classification provided (evidence only). Condition: Gastric cancer. Review status: no classification provided. Collection method: in vitro. Allele origin: not applicable. Functional consequence: retained intron. Not counted in ClinVar's aggregate classification.